The following is an entry in ClinVar:

Single allele

Gene: TRA (T cell receptor alpha locus; plus strand). Cytogenetic location: 14q11.2.
Variant type: Deletion.
Identifiers: ClinVar variation 157302 (VCV000157302.2).

ClinVar aggregate classification (germline): not provided (0 of 4 stars; one submission).

Conditions:
Large for gestational age. Identifiers: MedGen C1848395, HP:0001520.

Submission:

Institute of Molecular and Cell Biology, University of Tartu
No classification provided. Condition: Large for gestational age. Review status: no classification provided. Collection method: case-control. Allele origin: unknown. Affected: yes. Study: Kasak2014.
Comment: The study aimed to determine the contribution of copy number variants in the genetic etiology of normal and complicated pregnancies. The samples represented (i) maternal blood DNA drawn from healthy pregnant women during 1st or 2nd trimester and (ii) maternal and paternal blood DNA drawn at term pregnancy cases representing normal and complicated gestations (severe preeclampsia, PE; gestational diabetes, GD; small-for-gestational age newborn, SGA; large-for-gestational age newborn, LGA). We performed CNV calling based on genome-wide genotyping dataset (Illumina HumanOmniExpress-24-v1 BeadChip) by applying three algorithms, QuantiSNP, GADA (Genome Alteration Detection Algorithm) and CNstream in parallel. The acquired CNV calls were merged with HD-CNV (Hotspot Detector for Copy Number Variants) program and only the CNVs predicted by at least two programs, were considered in subsequent analysis.

Literature cited by the submitters: PubMed 25666259.